The following is an entry in ClinVar:

ClinVar aggregate classification (germline): Conflicting classifications of pathogenicity. Review status: criteria provided, conflicting classifications (1 of 4 stars). 2 submissions from 2 submitters: Pathogenic (1); Uncertain significance (1). Last evaluated 2026-07-17.

Submissions (2):

Ambry Genetics
Classification: Pathogenic. Last evaluated: 2026-07-17. Review status: criteria provided, single submitter. Criteria: Ambry Variant Classification Scheme 2023. Collection method: clinical testing. Allele origin: germline.
Comment: The c.1807C>T (p.R603*) alteration, located in exon 16 (coding exon 16) of the MARK2 gene, consists of a C to T substitution at nucleotide position 1807. This changes the amino acid from an arginine (R) to a stop codon at amino acid position 603. This variant is expected to result in loss of function by premature protein truncation or nonsense-mediated mRNA decay. This variant was not reported in population-based cohorts in the Genome Aggregation Database (gnomAD). This variant was determined to be de novo in at least one individual with features consistent with MARK2-related neurodevelopmental disorder (Ambry internal data). Based on the available evidence, this alteration is classified as pathogenic.

GeneDx
Classification: Uncertain significance. Last evaluated: 2024-01-30. Review status: criteria provided, single submitter. Criteria: GeneDx Variant Classification Process June 2021. Collection method: clinical testing. Allele origin: germline. Affected: yes.
Comment: Not observed at significant frequency in large population cohorts (gnomAD); Nonsense variant predicted to result in protein truncation or nonsense mediated decay in a gene or region of a gene for which loss of function is not a well-established mechanism of disease; Has not been previously published as pathogenic or benign to our knowledge; Variants in candidate genes are classified as variants of uncertain significance in accordance with ACMG guidelines (PMID: 25741868)

NM_001039469.3(MARK2):c.1807C>T (p.Arg603Ter)

Gene: MARK2 (microtubule affinity regulating kinase 2; plus strand). Cytogenetic location: 11q13.1.
Variant type: single nucleotide variant.
Coding change: c.1807C>T on transcript NM_001039469.3 (MANE Select); coding-DNA position 1807, C replaced by T.
Protein change: p.Arg603Ter; replaces arginine 603 with a stop codon.
Molecular consequence: nonsense.
Genome position (GRCh38, 1-based): chr11:63,904,916, C>T. VCF-style: chr11-63904916-C-T. GRCh37 (hg19) VCF-style: chr11-63672388-C-T.
Other names: c.1645C>T, p.Arg549Ter (NM_001163296.2); c.1642C>T, p.Arg548Ter (NM_001163297.2, NM_004954.5); c.1705C>T, p.Arg569Ter (NM_017490.4); short protein forms R548*, R549*, R569*, R603*.
Identifiers: ClinVar variation 3378106 (VCV003378106.2).